The following is an entry in ClinVar:

NM_002775.5(HTRA1):c.1333G>A (p.Ala445Thr)

Gene: HTRA1 (HtrA serine peptidase 1; plus strand). Cytogenetic location: 10q26.13.
Variant type: single nucleotide variant.
Coding change: c.1333G>A on transcript NM_002775.5 (MANE Select); coding-DNA position 1333, G replaced by A.
Protein change: p.Ala445Thr; replaces alanine 445 with threonine.
Molecular consequence: missense variant.
Genome position (GRCh38, 1-based): chr10:122,514,249, G>A. VCF-style: chr10-122514249-G-A. GRCh37 (hg19) VCF-style: chr10-124273765-G-A.
Other names: short protein forms A445T.
Identifiers: ClinVar variation 877269 (VCV000877269.49), dbSNP rs371279115, ClinGen allele CA5726159.
Genomic context (GRCh38, chr10:122,514,249, plus strand): 5'-AGTGGTGGTCTCAAGGAAAACGACGTCATAATCAGCATCAATGGACAGTCCGTGGTCTCC[G>A]CCAATGATGTCAGCGACGTCATTAAAAGGGAAAGCACCCTGAACATGGTGGTCCGCAGGG-3'
Protein context (NP_002766.1, residues 435-455): ISINGQSVVS[Ala445Thr]NDVSDVIKRE

ClinVar aggregate classification (germline): Uncertain significance. Review status: criteria provided, multiple submitters, no conflicts (2 of 4 stars). 9 submissions from 9 submitters: Uncertain significance (8). 1 of the submissions does not count toward it. Last evaluated 2025-09-20.

Conditions:
Inborn genetic diseases. Identifiers: MedGen C0950123, MeSH D030342.
Cerebral arteriopathy, autosomal recessive, with subcortical infarcts and leukoencephalopathy 2. Also called: CEREBROVASCULAR DISEASE WITH THIN SKIN, ALOPECIA, AND DISC DISEASE; SUBCORTICAL VASCULAR ENCEPHALOPATHY, PROGRESSIVE; Cerebral autosomal recessive arteriopathy with subcortical infarcts and leukoencephalopathy; CARASIL syndrome; MAEDA SYNDROME. Identifiers: Orphanet 199354, MedGen C6022615, MONDO:0010829, OMIM 600142.
HTRA1-related disorder. Also called: HTRA1-related condition.
Macular degeneration. Also called: Degenerative disorder of macula. Identifiers: MedGen C0024437, MONDO:0003004, HP:0000608.

Allele frequency attached by ClinVar (database versions not stated): ESP Exome Variant Server 0.00008; gnomAD 0.00013 and 0.00014; gnomAD exomes 0.00013; ExAC 0.00014; 1000 Genomes Project 30x 0.00016; 1000 Genomes Project 0.00020; TOPMed 0.00022.
gnomAD v4.1: 168 of 1,613,814 alleles (0.01%); highest among the groups gnomAD compares: Middle Eastern, 0.083%; no homozygotes.

Submissions (9):

Labcorp Genetics (formerly Invitae), Labcorp
Classification: Uncertain significance. Last evaluated: 2025-09-20. Review status: criteria provided, single submitter. Criteria: Invitae Variant Classification Sherloc (09022015). Collection method: clinical testing. Allele origin: germline.
Comment: This sequence change replaces alanine, which is neutral and non-polar, with threonine, which is neutral and polar, at codon 445 of the HTRA1 protein (p.Ala445Thr). This variant is present in population databases (rs371279115, gnomAD 0.03%). This variant has not been reported in the literature in individuals affected with HTRA1-related conditions. ClinVar contains an entry for this variant (Variation ID: 877269). Invitae Evidence Modeling of protein sequence and biophysical properties (such as structural, functional, and spatial information, amino acid conservation, physicochemical variation, residue mobility, and thermodynamic stability) indicates that this missense variant is not expected to disrupt HTRA1 protein function with a negative predictive value of 95%. In summary, the available evidence is currently insufficient to determine the role of this variant in disease. Therefore, it has been classified as a Variant of Uncertain Significance.

Blueprint Genetics
Classification: Uncertain significance. Last evaluated: 2024-11-20. Review status: criteria provided, single submitter. Criteria: ACMG Guidelines, 2015. Collection method: clinical testing. Allele origin: germline.

Athena Diagnostics
Classification: Uncertain significance. Last evaluated: 2022-06-30. Review status: criteria provided, single submitter. Criteria: Athena Diagnostics Criteria. Collection method: clinical testing. Allele origin: unknown.

Ambry Genetics
Classification: Uncertain significance for Inborn genetic diseases. Last evaluated: 2021-09-17. Review status: criteria provided, single submitter. Criteria: Ambry Variant Classification Scheme 2023. Collection method: clinical testing. Allele origin: germline.

CeGaT Center for Human Genetics Tuebingen
Classification: Uncertain significance. Last evaluated: 2021-07-01. Review status: criteria provided, single submitter. Criteria: CeGaT Center For Human Genetics Tuebingen Variant Classification Criteria Version 2. Collection method: clinical testing. Allele origin: germline. Affected: yes. Observed: 1 variant allele.

Baylor Genetics
Classification: Uncertain significance for Cerebral arteriopathy, autosomal recessive, with subcortical infarcts and leukoencephalopathy 2. Last evaluated: 2020-06-19. Review status: criteria provided, single submitter. Criteria: ACMG Guidelines, 2015. Collection method: clinical testing. Allele origin: unknown. Affected: yes.
Comment: This variant was determined to be of uncertain significance according to ACMG Guidelines, 2015 [PMID:25741868].

Illumina Laboratory Services, Illumina
Classification: Uncertain significance for Macular degeneration. Last evaluated: 2018-01-13. Review status: criteria provided, single submitter. Criteria: ICSL Variant Classification Criteria 13 December 2019. Collection method: clinical testing. Allele origin: germline.

Breakthrough Genomics
Classification: Uncertain significance. Review status: criteria provided, single submitter. Criteria: ACMG Guidelines, 2015. Collection method: not provided. Allele origin: germline. Inheritance: Autosomal recessive inheritance. Affected: yes.

PreventionGenetics, part of Exact Sciences
Classification: Uncertain significance for HTRA1-related condition. Last evaluated: 2024-03-27. Review status: no assertion criteria provided. Collection method: clinical testing. Allele origin: germline. Not counted in ClinVar's aggregate classification.
Comment: The HTRA1 c.1333G>A variant is predicted to result in the amino acid substitution p.Ala445Thr. To our knowledge, this variant has not been reported in the literature. This variant is reported in 0.028% of alleles in individuals of Latino descent in gnomAD. At this time, the clinical significance of this variant is uncertain due to the absence of conclusive functional and genetic evidence.